The following is an entry in ClinVar:

ClinVar aggregate classification (germline): Conflicting classifications of pathogenicity. Review status: criteria provided, conflicting classifications (1 of 4 stars). 2 submissions from 2 submitters: Likely pathogenic (1); Uncertain significance (1). Last evaluated 2016-06-30.

Submissions (2):

GeneDx
Classification: Likely pathogenic. Last evaluated: 2016-06-30. Review status: criteria provided, single submitter. Criteria: GeneDx Variant Classification (06012015). Collection method: clinical testing. Allele origin: germline. Affected: yes.
Comment: The V284A variant in the GABRA1 gene has not been reported previously as a pathogenic variant, nor as a benign variant, to our knowledge. The V284A variant was not observed in approximately 6,500 individuals of European and African American ancestry in the NHLBI Exome Sequencing Project, indicating it is not a common benign variant in these populations. The V284A variant is a conservative amino acid substitution, which is not likely to impact secondary protein structure as these residues share similar properties. This substitution occurs at a position that is conserved across species. In silico analysis is inconsistent in its predictions as to whether or not the variant is damaging to the protein structure/function. Therefore, we interpret V284A as a likely pathogenic variant.

Eurofins Ntd Llc (ga)
Classification: Uncertain significance. Last evaluated: 2014-11-14. Review status: criteria provided, single submitter. Criteria: EGL Classification Definitions 2015. Collection method: clinical testing. Allele origin: germline. Observed: 1 variant allele, 1 heterozygote.

NM_001127644.2(GABRA1):c.851T>C (p.Val284Ala)

Gene: GABRA1 (gamma-aminobutyric acid type A receptor subunit alpha1; plus strand). Cytogenetic location: 5q34.
Variant type: single nucleotide variant.
Coding change: c.851T>C on transcript NM_001127644.2 (MANE Select); coding-DNA position 851, T replaced by C.
Protein change: p.Val284Ala; replaces valine 284 with alanine.
Molecular consequence: missense variant.
Genome position (GRCh38, 1-based): chr5:161,891,045, T>C. VCF-style: chr5-161891045-T-C. GRCh37 (hg19) VCF-style: chr5-161318051-T-C.
Other names: c.851T>C, p.Val284Ala (NM_000806.5, NM_001127643.2, NM_001127645.2 and 1 more transcripts); short protein forms V284A.
Identifiers: ClinVar variation 199041 (VCV000199041.7), dbSNP rs794727962, ClinGen allele CA248019.